The following is an entry in ClinVar:

NM_006351.4(TIMM44):c.573C>T (p.Asp191=)

Gene: TIMM44 (translocase of inner mitochondrial membrane 44; minus strand). Cytogenetic location: 19p13.2.
Variant type: single nucleotide variant.
Coding change: c.573C>T on transcript NM_006351.4 (MANE Select); coding-DNA position 573, C replaced by T.
Protein change: p.Asp191=; no amino-acid change (aspartic acid 191 retained).
Molecular consequence: synonymous variant.
Genome position (GRCh38, 1-based): chr19:7,933,974, G>A on the plus strand (C>T on the coding strand, the complement: TIMM44 is on the minus strand). VCF-style: chr19-7933974-G-A. GRCh37 (hg19) VCF-style: chr19-7998859-G-A.
Other names: p.D191D:GAC>GAT.
Identifiers: ClinVar variation 137642 (VCV000137642.2), dbSNP rs141712131, ClinGen allele CA291286.

ClinVar aggregate classification (germline): Benign. Review status: criteria provided, multiple submitters, no conflicts (2 of 4 stars). 2 submissions from 2 submitters: Benign (2). Last evaluated 2014-05-27.

Allele frequency attached by ClinVar (database versions not stated): gnomAD 0.00351 and 0.00364; TOPMed 0.00298; ESP Exome Variant Server 0.00369; 1000 Genomes Project 30x 0.00375; gnomAD exomes 0.00416; 1000 Genomes Project 0.00419; ExAC 0.00453.
gnomAD v4.1: 7,529 of 1,614,104 alleles (0.47%); highest among the groups gnomAD compares: South Asian, 0.57%; 32 homozygotes.

Submissions (2):

GeneDx
Classification: Benign. Last evaluated: 2014-05-27. Review status: criteria provided, single submitter. Criteria: GeneDx Variant Classification (06012015). Collection method: clinical testing. Allele origin: germline. Affected: yes.
Comment: This variant is considered likely benign or benign based on one or more of the following criteria: it is a conservative change, it occurs at a poorly conserved position in the protein, it is predicted to be benign by multiple in silico algorithms, and/or has population frequency not consistent with disease.

Breakthrough Genomics
Classification: Benign. Review status: criteria provided, single submitter. Criteria: ACMG Guidelines, 2015. Collection method: not provided. Allele origin: germline. Inheritance: Unknown mechanism. Affected: yes.